The following is an entry in ClinVar:

NM_000536.4(RAG2):c.1442A>T (p.His481Leu)

Gene: RAG2 (recombination activating 2; minus strand). Cytogenetic location: 11p12.
Variant type: single nucleotide variant.
Coding change: c.1442A>T on transcript NM_000536.4 (MANE Select); coding-DNA position 1442, A replaced by T.
Protein change: p.His481Leu; replaces histidine 481 with leucine.
Molecular consequence: missense variant.
Genome position (GRCh38, 1-based): chr11:36,592,727, T>A on the plus strand (A>T on the coding strand, the complement: RAG2 is on the minus strand). VCF-style: chr11-36592727-T-A. GRCh37 (hg19) VCF-style: chr11-36614277-T-A.
Other names: c.1442A>T, p.His481Leu (NM_001243785.2, NM_001243786.2); short protein forms H481L.
Identifiers: ClinVar variation 3336584 (VCV003336584.2).

ClinVar aggregate classification (germline): Conflicting classifications of pathogenicity. Review status: criteria provided, conflicting classifications (1 of 4 stars). 2 submissions from 2 submitters: Likely pathogenic (1); Uncertain significance (1). Last evaluated 2024-05-22.

Conditions:
Histiocytic medullary reticulosis. Also called: SEVERE COMBINED IMMUNODEFICIENCY WITH HYPEREOSINOPHILIA; Omenn syndrome. Identifiers: Orphanet 39041, MedGen C2700553, MONDO:0011338, OMIM 603554.
Combined immunodeficiency with skin granulomas. Identifiers: Orphanet 157949, MedGen C2673536, MONDO:0009306, OMIM 233650.
Severe combined immunodeficiency, autosomal recessive, T cell-negative, B cell-negative, NK cell-positive. Also called: SCID, T CELL-NEGATIVE, B CELL-NEGATIVE, NK CELL-POSITIVE; SCID, AR, T-cell negative, B-cell negative, NK cell-positive; Severe combined immunodeficiency due to complete RAG1/2 deficiency. Identifiers: Orphanet 331206, MedGen C1832322, MONDO:0011086, OMIM 601457.

Submissions (2):

Fulgent Genetics
Classification: Likely pathogenic for Combined immunodeficiency with skin granulomas; Severe combined immunodeficiency, autosomal recessive, T cell-negative, B cell-negative, NK cell-positive; Histiocytic medullary reticulosis. Last evaluated: 2024-05-22. Review status: criteria provided, single submitter. Criteria: ACMG Guidelines, 2015. Collection method: clinical testing. Allele origin: germline.

Women's Health and Genetics/Laboratory Corporation of America, LabCorp
Classification: Uncertain significance. Last evaluated: 2024-05-15. Review status: criteria provided, single submitter. Criteria: LabCorp Variant Classification Summary - May 2015. Collection method: clinical testing. Allele origin: germline.
Comment: Variant summary: RAG2 c.1442A>T (p.His481Leu) results in a non-conservative amino acid change located in the Recombination activating protein 2, PHD domain (IPR025162) of the encoded protein sequence. Five of five in-silico tools predict a damaging effect of the variant on protein function. The variant was absent in 251354 control chromosomes. The available data on variant occurrences in the general population are insufficient to allow any conclusion about variant significance. To our knowledge, no occurrence of c.1442A>T in individuals affected with Severe Combined Immunodeficiency and no experimental evidence demonstrating its impact on protein function have been reported. No submitters have cited clinical-significance assessments for this variant to ClinVar. Based on the evidence outlined above, the variant was classified as uncertain significance.